The following is an entry in ClinVar:

ClinVar aggregate classification (germline): Uncertain significance (1 of 4 stars; one submission).

Conditions:
Mosaic variegated aneuploidy syndrome 1 (MVA1). Also called: Warburton-Anyane-Yeboa syndrome. Identifiers: Orphanet 1052, MedGen C1850343, MONDO:0009759, OMIM 257300.

Submission:

Labcorp Genetics (formerly Invitae), Labcorp
Classification: Uncertain significance for Mosaic variegated aneuploidy syndrome 1. Last evaluated: 2025-08-15. Review status: criteria provided, single submitter. Criteria: Invitae Variant Classification Sherloc (09022015). Collection method: clinical testing. Allele origin: germline.
Comment: This sequence change replaces isoleucine, which is neutral and non-polar, with valine, which is neutral and non-polar, at codon 514 of the BUB1B protein (p.Ile514Val). This variant is not present in population databases (gnomAD no frequency). This variant has not been reported in the literature in individuals affected with BUB1B-related conditions. An algorithm developed to predict the effect of missense changes on protein structure and function outputs the following: PolyPhen-2: "Benign". The valine amino acid residue is found in multiple mammalian species, which suggests that this missense change does not adversely affect protein function. In summary, the available evidence is currently insufficient to determine the role of this variant in disease. Therefore, it has been classified as a Variant of Uncertain Significance.

NM_001211.6(BUB1B):c.1540A>G (p.Ile514Val)

Gene: BUB1B (BUB1 mitotic checkpoint serine/threonine kinase B; plus strand). Cytogenetic location: 15q15.1.
Variant type: single nucleotide variant.
Coding change: c.1540A>G on transcript NM_001211.6 (MANE Select); coding-DNA position 1540, A replaced by G.
Protein change: p.Ile514Val; replaces isoleucine 514 with valine.
Molecular consequence: missense variant.
Genome position (GRCh38, 1-based): chr15:40,200,953, A>G. VCF-style: chr15-40200953-A-G. GRCh37 (hg19) VCF-style: chr15-40493154-A-G.
Other names: short protein forms I514V.
Identifiers: ClinVar variation 4745521 (VCV004745521.1).